The following is an entry in ClinVar:

ClinVar aggregate classification (germline): Pathogenic (1 of 4 stars; one submission).

Conditions:
Hereditary cancer-predisposing syndrome. Also called: Hereditary Cancer Syndrome; Neoplastic Syndromes, Hereditary; Hereditary neoplastic syndrome; Tumor predisposition. Identifiers: Orphanet 140162, MedGen C0027672, MeSH D009386, MONDO:0015356.

Submission:

Ambry Genetics
Classification: Pathogenic for Hereditary cancer-predisposing syndrome. Last evaluated: 2016-04-26. Review status: criteria provided, single submitter. Criteria: Ambry Variant Classification Scheme 2023. Collection method: clinical testing. Allele origin: germline.
Comment: The c.4071dupT pathogenic mutation, located in coding exon 21 of the DICER1 gene, results from a duplication of T at nucleotide position 4071, causing a translational frameshift with a predicted alternate stop codon. This alteration is expected to result in loss of function by premature protein truncation or nonsense-mediated mRNA decay. As such, this alteration is interpreted as a disease-causing mutation.

NM_177438.3(DICER1):c.4071dup (p.Arg1358fs)

Gene: DICER1 (dicer 1, ribonuclease III; minus strand). Cytogenetic location: 14q32.13.
Variant type: Duplication.
Coding change: c.4071dup on transcript NM_177438.3 (MANE Select); coding-DNA position 4071, one base duplicated (T; older notation c.4071dupT).
Protein change: p.Arg1358fs; shifts the reading frame from arginine 1358.
Molecular consequence: frameshift variant.
Genome position (GRCh38, 1-based): chr14:95,099,915, A duplicated on the plus strand (T on the coding strand, the reverse complement: DICER1 is on the minus strand). VCF-style (leftmost placement, unchanged base first): chr14-95099914-G-GA. GRCh37 (hg19) VCF-style: chr14-95566251-G-GA.
Other names: c.4071dupT (NM_177438.2); c.4071dup, p.Arg1358fs (NM_001195573.1, NM_001271282.3, NM_001291628.2 and 1 more transcripts); short protein forms R1358fs.
Identifiers: ClinVar variation 429147 (VCV000429147.5), dbSNP rs1131691216, ClinGen allele CA645369624.